The following is an entry in ClinVar:

ClinVar aggregate classification (germline): Uncertain significance (1 of 4 stars; one submission).

Allele frequency attached by ClinVar (database versions not stated): gnomAD 0.00001 and 0.00002; gnomAD exomes 0.00001; TOPMed 0.00002; 1000 Genomes Project 0.00020; 1000 Genomes Project 30x 0.00031.
gnomAD v4.1: 26 of 1,613,734 alleles (0.0016%); highest among the groups gnomAD compares: South Asian, 0.0055%; no homozygotes.

Submission:

Labcorp Genetics (formerly Invitae), Labcorp
Classification: Uncertain significance. Last evaluated: 2023-02-08. Review status: criteria provided, single submitter. Criteria: Invitae Variant Classification Sherloc (09022015). Collection method: clinical testing. Allele origin: germline.
Comment: Algorithms developed to predict the effect of missense changes on protein structure and function output the following: SIFT: "Deleterious"; PolyPhen-2: "Benign"; Align-GVGD: "Class C0". The histidine amino acid residue is found in multiple mammalian species, which suggests that this missense change does not adversely affect protein function. This sequence change replaces arginine, which is basic and polar, with histidine, which is basic and polar, at codon 420 of the PRKN protein (p.Arg420His). This variant is present in population databases (rs531247345, gnomAD 0.006%). This missense change has been observed in individual(s) with Parkinson disease (PMID: 32442813). ClinVar contains an entry for this variant (Variation ID: 841923). In summary, the available evidence is currently insufficient to determine the role of this variant in disease. Therefore, it has been classified as a Variant of Uncertain Significance.

Literature cited by the submitters: PubMed 32442813.

NM_004562.3(PRKN):c.1259G>A (p.Arg420His)

Gene: PRKN (parkin RBR E3 ubiquitin protein ligase; minus strand). Cytogenetic location: 6q26.
Variant type: single nucleotide variant.
Coding change: c.1259G>A on transcript NM_004562.3 (MANE Select); coding-DNA position 1259, G replaced by A.
Protein change: p.Arg420His; replaces arginine 420 with histidine.
Molecular consequence: missense variant.
Genome position (GRCh38, 1-based): chr6:161,360,114, C>T on the plus strand (G>A on the coding strand, the complement: PRKN is on the minus strand). VCF-style: chr6-161360114-C-T. GRCh37 (hg19) VCF-style: chr6-161781146-C-T.
Other names: c.1175G>A, p.Arg392His (NM_013987.3); c.812G>A, p.Arg271His (NM_013988.3); short protein forms R392H, R271H, R420H.
Identifiers: ClinVar variation 841923 (VCV000841923.8), dbSNP rs531247345, ClinGen allele CA151430584.